The following is an entry in ClinVar:

NM_000214.3(JAG1):c.387G>A (p.Pro129=)

Gene: JAG1 (jagged canonical Notch ligand 1; minus strand). Cytogenetic location: 20p12.2.
Variant type: single nucleotide variant.
Coding change: c.387G>A on transcript NM_000214.3 (MANE Select); coding-DNA position 387, G replaced by A.
Protein change: p.Pro129=; no amino-acid change (proline 129 retained).
Molecular consequence: synonymous variant.
Genome position (GRCh38, 1-based): chr20:10,672,701, C>T on the plus strand (G>A on the coding strand, the complement: JAG1 is on the minus strand). VCF-style: chr20-10672701-C-T. GRCh37 (hg19) VCF-style: chr20-10653349-C-T.
Identifiers: ClinVar variation 1425290 (VCV001425290.6), dbSNP rs766008628, ClinGen allele CA9765172.

ClinVar aggregate classification (germline): Uncertain significance (1 of 4 stars; one submission).

Conditions:
Alagille syndrome due to a JAG1 point mutation. Also called: Alagille Syndrome 1; JAG1-Related Alagille Syndrome; HEPATIC DUCTULAR HYPOPLASIA, SYNDROMATIC. Identifiers: Orphanet 261619, Orphanet 52, MedGen C1956125, MONDO:0016862, OMIM 118450.

Allele frequency attached by ClinVar (database versions not stated): gnomAD exomes below 0.00001 and 0.00001; ExAC 0.00001; gnomAD 0.00001; TOPMed 0.00001.

Submission:

Labcorp Genetics (formerly Invitae), Labcorp
Classification: Uncertain significance for Alagille syndrome due to a JAG1 point mutation. Last evaluated: 2021-09-01. Review status: criteria provided, single submitter. Criteria: Invitae Variant Classification Sherloc (09022015). Collection method: clinical testing. Allele origin: germline.
Comment: This sequence change affects codon 129 of the JAG1 mRNA. It is a 'silent' change, meaning that it does not change the encoded amino acid sequence of the JAG1 protein. This variant also falls at the last nucleotide of exon 2, which is part of the consensus splice site for this exon. This variant is present in population databases (rs766008628, ExAC 0.002%). This variant has not been reported in the literature in individuals affected with JAG1-related conditions. Variants that disrupt the consensus splice site are a relatively common cause of aberrant splicing (PMID: 17576681, 9536098). Algorithms developed to predict the effect of sequence changes on RNA splicing suggest that this variant may disrupt the consensus splice site. In summary, the available evidence is currently insufficient to determine the role of this variant in disease. Therefore, it has been classified as a Variant of Uncertain Significance.

Literature cited by the submitters: PubMed 17576681; PubMed 9536098.